The following is an entry in ClinVar:

ClinVar aggregate classification (germline): Likely benign (1 of 4 stars; one submission).

Submission:

CeGaT Center for Human Genetics Tuebingen
Classification: Likely benign. Last evaluated: 2025-09-01. Review status: criteria provided, single submitter. Criteria: CeGaT Center For Human Genetics Tuebingen Variant Classification Criteria Version 2. Collection method: clinical testing. Allele origin: germline. Affected: yes. Observed: 1 variant allele.
Comment: TMEM127: PM2:Supporting, BP4, BP7

NM_017849.4(TMEM127):c.396C>A (p.Ala132=)

Gene: TMEM127 (transmembrane protein 127; minus strand). Cytogenetic location: 2q11.2.
Variant type: single nucleotide variant.
Coding change: c.396C>A on transcript NM_017849.4 (MANE Select); coding-DNA position 396, C replaced by A.
Protein change: p.Ala132=; no amino-acid change (alanine 132 retained).
Molecular consequence: synonymous variant.
Genome position (GRCh38, 1-based): chr2:96,254,846, G>T on the plus strand (C>A on the coding strand, the complement: TMEM127 is on the minus strand). VCF-style: chr2-96254846-G-T. GRCh37 (hg19) VCF-style: chr2-96920584-G-T.
Other names: c.144C>A, p.Ala48= (NM_001407283.1, NM_001407282.1); c.396C>A, p.Ala132= (NM_001193304.3).
Identifiers: ClinVar variation 4281453 (VCV004281453.7).